The following is an entry in ClinVar:

NM_006739.4(MCM5):c.455C>T (p.Pro152Leu)

Gene: MCM5 (minichromosome maintenance complex component 5; plus strand). Cytogenetic location: 22q12.3.
Variant type: single nucleotide variant.
Coding change: c.455C>T on transcript NM_006739.4 (MANE Select); coding-DNA position 455, C replaced by T.
Protein change: p.Pro152Leu; replaces proline 152 with leucine.
Molecular consequence: missense variant.
Genome position (GRCh38, 1-based): chr22:35,406,584, C>T. VCF-style: chr22-35406584-C-T. GRCh37 (hg19) VCF-style: chr22-35802577-C-T.
Other names: short protein forms P152L.
Identifiers: ClinVar variation 1954358 (VCV001954358.5), dbSNP rs1193517841, ClinGen allele CA411362113.

ClinVar aggregate classification (germline): Uncertain significance (1 of 4 stars; one submission).

Allele frequency attached by ClinVar (database versions not stated): gnomAD exomes below 0.00001; gnomAD 0.00001; TOPMed 0.00001.
gnomAD v4.1: 4 of 1,613,838 alleles (0.00025%); highest among the groups gnomAD compares: East Asian, 0.0022%; no homozygotes.

Submission:

Labcorp Genetics (formerly Invitae), Labcorp
Classification: Uncertain significance. Last evaluated: 2022-07-17. Review status: criteria provided, single submitter. Criteria: Invitae Variant Classification Sherloc (09022015). Collection method: clinical testing. Allele origin: germline.
Comment: In summary, the available evidence is currently insufficient to determine the role of this variant in disease. Therefore, it has been classified as a Variant of Uncertain Significance. Algorithms developed to predict the effect of missense changes on protein structure and function are either unavailable or do not agree on the potential impact of this missense change (SIFT: "Deleterious"; PolyPhen-2: "Possibly Damaging"; Align-GVGD: "Class C0"). This variant has not been reported in the literature in individuals affected with MCM5-related conditions. This variant is not present in population databases (gnomAD no frequency). This sequence change replaces proline, which is neutral and non-polar, with leucine, which is neutral and non-polar, at codon 152 of the MCM5 protein (p.Pro152Leu).